The following is an entry in ClinVar:

ClinVar aggregate classification (germline): Pathogenic (1 of 4 stars; one submission).

Conditions:
Familial melanoma. Also called: Hereditary melanoma; Hereditary cutaneous melanoma. Identifiers: Orphanet 618, MedGen C1512419, MONDO:0018961.

Submission:

Labcorp Genetics (formerly Invitae), Labcorp
Classification: Pathogenic for Familial melanoma. Last evaluated: 2021-11-15. Review status: criteria provided, single submitter. Criteria: Invitae Variant Classification Sherloc (09022015). Collection method: clinical testing. Allele origin: germline.
Comment: This sequence change creates a premature translational stop signal (p.Glu26*) in the CDKN2A (p16INK4a) gene. It is expected to result in an absent or disrupted protein product. Loss-of-function variants in CDKN2A (p16INK4a) are known to be pathogenic (PMID: 15146471, 16905682). This variant is not present in population databases (gnomAD no frequency). This premature translational stop signal has been observed in individual(s) with melanoma (PMID: 14722037, 17055252). For these reasons, this variant has been classified as Pathogenic.

Literature cited by the submitters: PubMed 15146471; PubMed 16905682; PubMed 14722037; PubMed 17055252.

NM_000077.5(CDKN2A):c.76G>T (p.Glu26Ter)

Gene: CDKN2A (cyclin dependent kinase inhibitor 2A; minus strand). Cytogenetic location: 9p21.3.
Variant type: single nucleotide variant.
Coding change: c.76G>T on transcript NM_000077.5; coding-DNA position 76, G replaced by T.
Protein change: p.Glu26Ter; replaces glutamic acid 26 with a stop codon.
Molecular consequence: nonsense (on NM_000077.6). On other transcripts: intron variant (2).
Genome position (GRCh38, 1-based): chr9:21,974,752, C>A on the plus strand (G>T on the coding strand, the complement: CDKN2A is on the minus strand). VCF-style: chr9-21974752-C-A. GRCh37 (hg19) VCF-style: chr9-21974751-C-A.
Other names: c.76G>T, p.Glu26Ter (NM_000077.6, NM_001195132.2, NM_058197.5); c.-3-3544G>T (NM_001363763.2); c.194-3544G>T (NM_058195.4); short protein forms E26*.
Identifiers: ClinVar variation 1454814 (VCV001454814.6), dbSNP rs1317637377, ClinGen allele CA373086608.